The following is an entry in ClinVar:

NM_001083614.1(EARS2):c.-34C>G

Gene: EARS2 (glutamyl-tRNA synthetase 2, mitochondrial; minus strand). Cytogenetic location: 16p12.2.
Variant type: single nucleotide variant.
Coding change: c.-34C>G on transcript NM_001083614.1; 34 bases upstream of the start codon, C replaced by G.
Genome position (GRCh38, 1-based): chr16:23,557,377, G>C on the plus strand (C>G on the coding strand, the complement: EARS2 is on the minus strand). VCF-style: chr16-23557377-G-C. GRCh37 (hg19) VCF-style: chr16-23568698-G-C.
Identifiers: ClinVar variation 887097 (VCV000887097.6), dbSNP rs371224231, ClinGen allele CA7962781.

ClinVar aggregate classification (germline): Likely benign (1 of 4 stars; one submission).

Conditions:
Leukoencephalopathy-thalamus and brainstem anomalies-high lactate syndrome. Also called: LEUKOENCEPHALOPATHY WITH THALAMUS AND BRAINSTEM INVOLVEMENT AND HIGH LACTATE; Combined oxidative phosphorylation deficiency 12. Identifiers: Orphanet 314051, MedGen C4706421, MONDO:0013971, OMIM 614924.

Allele frequency attached by ClinVar (database versions not stated): ESP Exome Variant Server 0.00017; ExAC 0.00279; 1000 Genomes Project 30x 0.00031; 1000 Genomes Project 0.00020; TOPMed 0.00010; gnomAD exomes 0.00058.

Submission:

Illumina Laboratory Services, Illumina
Classification: Likely benign for Leukoencephalopathy-thalamus and brainstem anomalies-high lactate syndrome. Last evaluated: 2018-01-13. Review status: criteria provided, single submitter. Criteria: ICSL Variant Classification Criteria 13 December 2019. Collection method: clinical testing. Allele origin: germline.
Comment: This variant was observed in the ICSL laboratory as part of a predisposition screen in an ostensibly healthy population. It had not been previously curated by ICSL or reported in the Human Gene Mutation Database (HGMD: prior to June 1st, 2018), and was therefore a candidate for classification through an automated scoring system. Utilizing variant allele frequency, disease prevalence and penetrance estimates, and inheritance mode, an automated score was calculated to assess if this variant is too frequent to cause the disease. Based on the score and internal cut-off values, a variant classified as likely benign is not then subjected to further curation. The score for this variant resulted in a classification of likely benign for this disease.